The following is an entry in ClinVar:

NM_000545.8(HNF1A):c.326+1G>A

Gene: HNF1A (HNF1 homeobox A; plus strand). Cytogenetic location: 12q24.31.
Variant type: single nucleotide variant.
Coding change: c.326+1G>A on transcript NM_000545.8 (MANE Select); the canonical splice donor site of the intron after coding-DNA position 326, G replaced by A.
Molecular consequence: splice donor variant.
Genome position (GRCh38, 1-based): chr12:120,979,095, G>A. VCF-style: chr12-120979095-G-A. GRCh37 (hg19) VCF-style: chr12-121416898-G-A.
Other names: NM_001306179.2:c.326+1G>A; c.326+1G>A (NM_001306179.2, NM_001406915.1).
Identifiers: ClinVar variation 1693223 (VCV001693223.1), dbSNP rs2135820424, ClinGen allele CA386954965.

ClinVar aggregate classification (germline): Pathogenic (3 of 4 stars; one submission).

Conditions:
Monogenic diabetes. Identifiers: Orphanet 183625, MedGen C3888631, MONDO:0015967.

Submission:

ClinGen Monogenic Diabetes Variant Curation Expert Panel
Classification: Pathogenic for Monogenic diabetes. Last evaluated: 2022-06-10. Review status: reviewed by expert panel. Criteria: ClinGen Diabetes ACMG Specifications v1 1. Collection method: curation. Allele origin: germline. Inheritance: Autosomal dominant inheritance.
Comment: The c.326+1G>A variant in the HNF1 homeobox A gene, HNF1A, is predicted to remove a canonical splice donor site in intron 1 of NM_000545.8. This variant is predicted to cause skipping of biologically-relevant exon 1 of 10, resulting in a frameshift, leading to nonsense mediated decay in a gene in which loss-of-function is an established disease mechanism (PVS1; PMID: 23348805). Additionally, this variant segregated with diabetes, with five informative meioses in one family with MODY (PP1_Strong; internal lab contributors) and is absent from gnomAD v2.1.1 (PM2_Supporting). This variant was identified in at least one individual with a clinical history highly specific for HNF1A-MODY (MODY probability calculator result >50% and negative genetic testing for HNF4A) (PP4_Moderate; internal lab contributors). Lastly, the c.326+1G>T and c.326+1G>C variants at the same canonical nucleotides have been classified as pathogenic for monogenic diabetes by the ClinGen MDEP, and c.326+1G>A has a similar predicted impact on donor loss by Splice AI (0.98) (PS1_Supporting). In summary, c.326+1G>A meets the criteria to be classified as pathogenic for monogenic diabetes. ACMG/AMP criteria applied, as specified by the ClinGen MDEP (specification version 1.1, approved 9/30/21):PVS1, PP1_Strong, PP4, PS1_Supporting, PM2_Supporting.